The following is an entry in ClinVar:

NM_032119.4(ADGRV1):c.10936T>C (p.Ser3646Pro)

Gene: ADGRV1 (adhesion G protein-coupled receptor V1; plus strand). Cytogenetic location: 5q14.3.
Variant type: single nucleotide variant.
Coding change: c.10936T>C on transcript NM_032119.4 (MANE Select); coding-DNA position 10936, T replaced by C.
Protein change: p.Ser3646Pro; replaces serine 3646 with proline.
Molecular consequence: missense variant. On other transcripts: non-coding transcript variant (1).
Genome position (GRCh38, 1-based): chr5:90,745,757, T>C. VCF-style: chr5-90745757-T-C. GRCh37 (hg19) VCF-style: chr5-90041574-T-C.
Other names: short protein forms S3646P.
Identifiers: ClinVar variation 163597 (VCV000163597.63), dbSNP rs13171868, ClinGen allele CA176216.
Genomic context (GRCh38, chr5:90,745,757, plus strand): 5'-AAAAATCCCAAAGGAGGAGCAGAGATTGGCATTAATGATTCTGTAACAATAACCATTCTG[T>C]CTAATGATGATGCCTATGGAATTGTTGCATTTGCTCAGGTAATGATACTGAAGACCCCAC-3'
Protein context (NP_115495.3, residues 3636-3656): INDSVTITIL[Ser3646Pro]NDDAYGIVAF

ClinVar aggregate classification (germline): Benign/Likely benign. Review status: criteria provided, multiple submitters, no conflicts (2 of 4 stars). 12 submissions from 12 submitters: Benign (5); Likely benign (3). 4 of the submissions do not count toward it. Last evaluated 2026-08-01.

Allele frequency attached by ClinVar (database versions not stated): 1000 Genomes Project 30x 0.00094; 1000 Genomes Project 0.00100; TOPMed 0.00343; ExAC 0.00440; gnomAD exomes 0.00444 and 0.00631; gnomAD 0.00453 and 0.00467; ESP Exome Variant Server 0.00502.
gnomAD v4.1: 9,805 of 1,611,356 alleles (0.61%); highest among the groups gnomAD compares: Non-Finnish European, 0.73%; 37 homozygotes.

Submissions (12):

CeGaT Center for Human Genetics Tuebingen
Classification: Likely benign. Last evaluated: 2026-08-01. Review status: criteria provided, single submitter. Criteria: CeGaT Center For Human Genetics Tuebingen Variant Classification Criteria Version 2. Collection method: clinical testing. Allele origin: germline. Affected: yes. Observed: 18 variant alleles.
Comment: ADGRV1: BP4, BS2

Labcorp Genetics (formerly Invitae), Labcorp
Classification: Benign. Last evaluated: 2026-02-02. Review status: criteria provided, single submitter. Criteria: Invitae Variant Classification Sherloc (09022015). Collection method: clinical testing. Allele origin: germline.

Blueprint Genetics
Classification: Likely benign. Last evaluated: 2024-11-21. Review status: criteria provided, single submitter. Criteria: ACMG Guidelines, 2015. Collection method: clinical testing. Allele origin: germline.

Athena Diagnostics
Classification: Benign. Last evaluated: 2024-07-05. Review status: criteria provided, single submitter. Criteria: Athena Diagnostics Criteria. Collection method: clinical testing. Allele origin: unknown.

GeneDx
Classification: Benign. Last evaluated: 2018-05-23. Review status: criteria provided, single submitter. Criteria: GeneDx Variant Classification Process June 2021. Collection method: clinical testing. Allele origin: germline. Affected: yes.
Comment: This variant is associated with the following publications: (PMID: 32707200)

Center for Pediatric Genomic Medicine, Children's Mercy Hospital and Clinics
Classification: Likely benign. Last evaluated: 2017-06-26. Review status: criteria provided, single submitter. Criteria: ACMG Guidelines, 2015. Collection method: clinical testing. Allele origin: germline.

Eurofins Ntd Llc (ga)
Classification: Benign. Last evaluated: 2015-02-26. Review status: criteria provided, single submitter. Criteria: EGL Classification Definitions 2015. Collection method: clinical testing. Allele origin: germline. Observed: 1 variant allele, 1 heterozygote.

Laboratory for Molecular Medicine, Mass General Brigham Personalized Medicine
Classification: Benign. Last evaluated: 2012-05-07. Review status: criteria provided, single submitter. Criteria: LMM Criteria. Collection method: clinical testing. Allele origin: germline. Observed: 14 variant alleles.
Comment: Ser3646Pro in Exon 52 of GPR98: This variant is not expected to have clinical si gnificance because it has been identified in 0.7% (47/6622) of European American chromosomes from a broad population by the NHLBI Exome Sequencing Project (dbSNP rs13171868).

Clinical Genetics DNA and cytogenetics Diagnostics Lab, Erasmus MC, Erasmus Medical Center
Classification: Likely benign. Review status: no assertion criteria provided. Collection method: clinical testing. Allele origin: germline. Affected: yes. Study: VKGL Data-share Consensus. Not counted in ClinVar's aggregate classification.

Clinical Genetics, Academic Medical Center
Classification: Benign. Review status: no assertion criteria provided. Collection method: clinical testing. Allele origin: germline. Affected: yes. Study: VKGL Data-share Consensus. Not counted in ClinVar's aggregate classification.

Diagnostic Laboratory, Department of Genetics, University Medical Center Groningen
Classification: Likely benign. Review status: no assertion criteria provided. Collection method: clinical testing. Allele origin: germline. Affected: yes. Study: VKGL Data-share Consensus. Not counted in ClinVar's aggregate classification.

Genome Diagnostics Laboratory, University Medical Center Utrecht
Classification: Likely benign. Review status: no assertion criteria provided. Collection method: clinical testing. Allele origin: germline. Affected: yes. Study: VKGL Data-share Consensus. Not counted in ClinVar's aggregate classification.

Literature cited by the submitters: PubMed 21569298 (cited by Athena Diagnostics).